The following is an entry in ClinVar:

NM_015154.3(MESD):c.109T>A (p.Ser37Thr)

Genes: MESD (mesoderm development LRP chaperone; minus strand), LOC121530597 (Sharpr-MPRA regulatory region 7880; plus strand). Cytogenetic location: 15q25.1.
Variant type: single nucleotide variant.
Coding change: c.109T>A on transcript NM_015154.3 (MANE Select); coding-DNA position 109, T replaced by A.
Protein change: p.Ser37Thr; replaces serine 37 with threonine.
Molecular consequence: missense variant. On other transcripts: non-coding transcript variant (2).
Genome position (GRCh38, 1-based): chr15:80,989,683, A>T on the plus strand (T>A on the coding strand, the complement: MESD is on the minus strand). VCF-style: chr15-80989683-A-T. GRCh37 (hg19) VCF-style: chr15-81282024-A-T.
Other names: short protein forms S37T.
Identifiers: ClinVar variation 2102016 (VCV002102016.4), dbSNP rs1893244979, ClinGen allele CA393257877.

ClinVar aggregate classification (germline): Uncertain significance (1 of 4 stars; one submission).

Allele frequency attached by ClinVar (database versions not stated): gnomAD exomes 0.00001.
gnomAD v4.1: 19 of 1,612,936 alleles (0.0012%); highest among the groups gnomAD compares: Non-Finnish European, 0.0015%; no homozygotes.

Submission:

Labcorp Genetics (formerly Invitae), Labcorp
Classification: Uncertain significance. Last evaluated: 2022-03-03. Review status: criteria provided, single submitter. Criteria: Invitae Variant Classification Sherloc (09022015). Collection method: clinical testing. Allele origin: germline.
Comment: This variant is not present in population databases (gnomAD no frequency). In summary, the available evidence is currently insufficient to determine the role of this variant in disease. Therefore, it has been classified as a Variant of Uncertain Significance. Algorithms developed to predict the effect of missense changes on protein structure and function output the following: SIFT: "Tolerated"; PolyPhen-2: "Benign"; Align-GVGD: "Class C0". The threonine amino acid residue is found in multiple mammalian species, which suggests that this missense change does not adversely affect protein function. This variant has not been reported in the literature in individuals affected with MESDC2-related conditions. This sequence change replaces serine, which is neutral and polar, with threonine, which is neutral and polar, at codon 37 of the MESDC2 protein (p.Ser37Thr).